The following is an entry in ClinVar:

ClinVar aggregate classification (germline): Pathogenic. Review status: reviewed by expert panel (3 of 4 stars). 6 submissions from 6 submitters: Pathogenic (1). 5 of the submissions do not count toward it. Last evaluated 2016-09-08.

Conditions:
Hereditary cancer-predisposing syndrome. Also called: Tumor predisposition; Neoplastic Syndromes, Hereditary; Hereditary Cancer Syndrome; Hereditary neoplastic syndrome. Identifiers: Orphanet 140162, MedGen C0027672, MeSH D009386, MONDO:0015356.
Fanconi anemia (FA). Also called: Fanconi's anemia. Identifiers: Orphanet 84, MedGen C0015625, MeSH D005199, MONDO:0019391.
Hereditary breast ovarian cancer syndrome. Also called: Hereditary breast and ovarian cancer; Hereditary breast and ovarian cancer syndrome (HBOC); Breast and ovarian cancer; BRCA1- and BRCA2-Associated Hereditary Breast and Ovarian Cancer; Hereditary breast and ovarian cancer syndrome; Hereditary breast and/or ovarian cancer syndrome. Identifiers: Orphanet 145, MedGen C0677776, MeSH D061325, MONDO:0003582. Disease mechanism: loss of function.
Breast-ovarian cancer, familial, susceptibility to, 2 (BROVCA2). Also called: BRCA2 Hereditary Breast and Ovarian Cancer. Identifiers: Orphanet 145, MedGen C2675520, MONDO:0012933, OMIM 612555. Disease mechanism: loss of function.

Submissions (6):

Evidence-based Network for the Interpretation of Germline Mutant Alleles (ENIGMA)
Classification: Pathogenic for Breast-ovarian cancer, familial, susceptibility to, 2. Last evaluated: 2016-09-08. Review status: reviewed by expert panel. Criteria: ENIGMA BRCA1/2 Classification Criteria (2015). Collection method: curation. Allele origin: germline.
Comment: Variant allele predicted to encode a truncated non-functional protein.

Ambry Genetics
Classification: Pathogenic for Hereditary cancer-predisposing syndrome. Last evaluated: 2026-06-23. Review status: criteria provided, single submitter. Criteria: Ambry Variant Classification Scheme 2023. Collection method: clinical testing. Allele origin: germline. Not counted in ClinVar's aggregate classification.
Comment: The c.486delG pathogenic mutation, located in coding exon 5 of the BRCA2 gene, results from a deletion of one nucleotide at nucleotide position 486, causing a translational frameshift with a predicted alternate stop codon (p.G162Gfs*10). This variant has been identified in the homozygous state and/or in conjunction with other BRCA2 variant(s) in individual(s) with features consistent with Fanconi anemia (George M et al. Hum Mutat, 2021 Dec;42:1648-1665). Of note, this alteration is also known as c.484delG in published literature. This variant is considered to be rare based on population cohorts in the Genome Aggregation Database (gnomAD). This alteration is expected to result in loss of function by premature protein truncation or nonsense-mediated mRNA decay. Based on the supporting evidence, this variant is interpreted as a disease-causing mutation. However, because this variant is identified in one or more patients with Fanconi anemia it may be hypomorphic and thus, carriers of this variant and their families may present with reduced risks, and not with the typical clinical characteristics of a high-risk pathogenic BRCA2 alteration. As risk estimates are unknown at this time, clinical correlation is advised.

Labcorp Genetics (formerly Invitae), Labcorp
Classification: Pathogenic for Hereditary breast ovarian cancer syndrome. Last evaluated: 2023-08-10. Review status: criteria provided, single submitter. Criteria: Invitae Variant Classification Sherloc (09022015). Collection method: clinical testing. Allele origin: germline. Not counted in ClinVar's aggregate classification.
Comment: For these reasons, this variant has been classified as Pathogenic. ClinVar contains an entry for this variant (Variation ID: 254476). This premature translational stop signal has been observed in individual(s) with breast or ovarian cancer (PMID: 25186627, 29470806). This variant is not present in population databases (gnomAD no frequency). This sequence change creates a premature translational stop signal (p.Ser163Valfs*9) in the BRCA2 gene. It is expected to result in an absent or disrupted protein product. Loss-of-function variants in BRCA2 are known to be pathogenic (PMID: 20104584).

Color Diagnostics, LLC DBA Color Health
Classification: Pathogenic for Hereditary cancer-predisposing syndrome. Last evaluated: 2022-05-06. Review status: criteria provided, single submitter. Criteria: ACMG Guidelines, 2015. Collection method: clinical testing. Allele origin: germline. Not counted in ClinVar's aggregate classification.
Comment: This variant deletes 1 nucleotide in exon 6 of the BRCA2 gene, creating a frameshift and premature translation stop signal. This variant is expected to result in an absent or non-functional protein product. This variant has been reported in individuals affected with breast cancer (PMID: 25186627, 29470806). This variant has not been identified in the general population by the Genome Aggregation Database (gnomAD). Loss of BRCA2 function is a known mechanism of disease. Based on the available evidence, this variant is classified as Pathogenic.

Dept. of Cytogenetics, ICMR- National Institute of Immunohaematology
Classification: Pathogenic for Fanconi anemia. Review status: criteria provided, single submitter. Criteria: ACMG Guidelines, 2015. Collection method: clinical testing. Allele origin: germline. Affected: yes. Observed: 1 variant allele. Not counted in ClinVar's aggregate classification.

Neuberg Centre For Genomic Medicine, NCGM
Classification: Pathogenic for Breast-ovarian cancer, familial, susceptibility to, 2. Review status: criteria provided, single submitter. Criteria: ACMG Guidelines, 2015. Collection method: clinical testing. Allele origin: germline. Inheritance: Autosomal dominant inheritance. Affected: yes. Not counted in ClinVar's aggregate classification.
Comment: The frameshift variant has not been reported previously in heterozygous state in individuals with breast or ovarian cancer Singh J, et al., 2018. The variant is novel not in any individuals in gnomAD Exomes and in 1000 Genomes. This variant has been reported to the ClinVar database as Pathogenic multiple submissios.This variant causes a frameshift starting with codon Serine 163, changes this amino acid to Valine residue, and creates a premature Stop codon at position 9 of the new reading frame, denoted p.Ser163ValfsTer9. This variant is predicted to cause loss of normal protein function through protein truncation. Loss of function variants have been previously reported to be disease causing Borg A, et al., 2010. For these reasons, this variant has been classified as Pathogenic.

Literature cited by the submitters: PubMed 34585473 (cited by Ambry Genetics); PubMed 25186627 (cited by Labcorp Genetics (formerly Invitae), Labcorp and Color Diagnostics, LLC DBA Color Health); PubMed 29470806 (cited by Labcorp Genetics (formerly Invitae), Labcorp and Color Diagnostics, LLC DBA Color Health); PubMed 20104584 (cited by Labcorp Genetics (formerly Invitae), Labcorp).

NM_000059.4(BRCA2):c.486del (p.Ser163fs)

Gene: BRCA2 (BRCA2 DNA repair associated; plus strand). Cytogenetic location: 13q13.1.
Variant type: Deletion.
Coding change: c.486del on transcript NM_000059.4 (MANE Select); coding-DNA position 486, one base deleted (G; older notation c.486delG).
Protein change: p.Ser163fs; shifts the reading frame from serine 163.
Molecular consequence: frameshift variant.
Genome position (GRCh38, 1-based): chr13:32,326,252, G deleted; the last of 3 consecutive G bases (chr13:32,326,250-32,326,252); deleting any one gives the same sequence. VCF-style (leftmost placement, unchanged base first): chr13-32326249-TG-T. GRCh37 (hg19) VCF-style: chr13-32900386-TG-T.
Other names: c.484delG (NM_000059.4); c.486delG (NM_000059.3); short protein forms S163fs.
Identifiers: ClinVar variation 254476 (VCV000254476.24), dbSNP rs587780653, ClinGen allele CA020912.